The following is an entry in ClinVar:

ClinVar aggregate classification (germline): Uncertain significance (1 of 4 stars; one submission).

Conditions:
Frontotemporal dementia and/or amyotrophic lateral sclerosis 6 (FTDALS6). Also called: VCP-Related Amyotrophic Lateral Sclerosis/Frontotemporal Dementia; VCP-Related Amyotrophic Lateral Sclerosis. Identifiers: Orphanet 275872, Orphanet 803, MedGen C5436279, MONDO:0013501, OMIM 613954.
Inclusion body myopathy with Paget disease of bone and frontotemporal dementia. Also called: Inclusion body myopathy with early-onset Paget disease and frontotemporal dementia. Identifiers: Orphanet 52430, MedGen C1833662, MONDO:0000507.

Submission:

Labcorp Genetics (formerly Invitae), Labcorp
Classification: Uncertain significance for Inclusion body myopathy with Paget disease of bone and frontotemporal dementia; Frontotemporal dementia and/or amyotrophic lateral sclerosis 6. Last evaluated: 2022-08-05. Review status: criteria provided, single submitter. Criteria: Invitae Variant Classification Sherloc (09022015). Collection method: clinical testing. Allele origin: germline.
Comment: In summary, the available evidence is currently insufficient to determine the role of this variant in disease. Therefore, it has been classified as a Variant of Uncertain Significance. Advanced modeling of protein sequence and biophysical properties (such as structural, functional, and spatial information, amino acid conservation, physicochemical variation, residue mobility, and thermodynamic stability) performed at Invitae indicates that this missense variant is expected to disrupt VCP protein function. This variant has not been reported in the literature in individuals affected with VCP-related conditions. This variant is not present in population databases (gnomAD no frequency). This sequence change replaces lysine, which is basic and polar, with threonine, which is neutral and polar, at codon 136 of the VCP protein (p.Lys136Thr).

NM_007126.5(VCP):c.407A>C (p.Lys136Thr)

Gene: VCP (valosin containing protein; minus strand). Cytogenetic location: 9p13.3.
Variant type: single nucleotide variant.
Coding change: c.407A>C on transcript NM_007126.5 (MANE Select); coding-DNA position 407, A replaced by C.
Protein change: p.Lys136Thr; replaces lysine 136 with threonine.
Molecular consequence: missense variant.
Genome position (GRCh38, 1-based): chr9:35,066,713, T>G on the plus strand (A>C on the coding strand, the complement: VCP is on the minus strand). VCF-style: chr9-35066713-T-G. GRCh37 (hg19) VCF-style: chr9-35066710-T-G.
Other names: c.272A>C, p.Lys91Thr (NM_001354927.2, NM_001354928.2); short protein forms K136T, K91T.
Identifiers: ClinVar variation 1715067 (VCV001715067.6), dbSNP rs2490370263, ClinGen allele CA373291761.